The following is an entry in ClinVar:

NM_000212.3(ITGB3):c.422A>G (p.Tyr141Cys)

Gene: ITGB3 (integrin subunit beta 3; plus strand). Cytogenetic location: 17q21.32.
Variant type: single nucleotide variant.
Coding change: c.422A>G on transcript NM_000212.3 (MANE Select); coding-DNA position 422, A replaced by G.
Protein change: p.Tyr141Cys; replaces tyrosine 141 with cysteine.
Molecular consequence: missense variant.
Genome position (GRCh38, 1-based): chr17:47,284,503, A>G. VCF-style: chr17-47284503-A-G. GRCh37 (hg19) VCF-style: chr17-45361869-A-G.
Other names: NM_000212.3:c.422A>G; p.Tyr141Cys; NM_000212.3(ITGB3):c.422A>G; short protein forms Y141C.
Identifiers: ClinVar variation 1691482 (VCV001691482.9), dbSNP rs1739770567, ClinGen allele CA400021881.

ClinVar aggregate classification (germline): Pathogenic. Review status: reviewed by expert panel (3 of 4 stars). 3 submissions from 3 submitters: Pathogenic (1). 2 of the submissions do not count toward it. Last evaluated 2025-06-17.

Conditions:
Glanzmann thrombasthenia. Also called: PLATELET GLYCOPROTEIN IIb-IIIa DEFICIENCY; Glanzmann's thrombasthenia; BLEEDING DISORDER, PLATELET-TYPE, 2; THROMBASTHENIA OF GLANZMANN AND NAEGELI; Thrombasthenia. Identifiers: Orphanet 849, MedGen C0040015, MONDO:0100326.
Glanzmann thrombasthenia 2. Also called: BLEEDING DISORDER, PLATELET-TYPE, 23. Identifiers: MedGen C5543273, MONDO:0031009, OMIM 619267.

Allele frequency attached by ClinVar (database versions not stated): gnomAD exomes below 0.00001; gnomAD 0.00001.
gnomAD v4.1: 6 of 1,614,050 alleles (0.00037%); highest among the groups gnomAD compares: South Asian, 0.0055%; no homozygotes.

Submissions (3):

ClinGen Platelet Disorders Variant Curation Expert Panel, ClinGen
Classification: Pathogenic for Glanzmann thrombasthenia. Last evaluated: 2025-06-17. Review status: reviewed by expert panel. Criteria: ClinGen Platelet ACMG Specifications v2-1. Collection method: curation. Allele origin: germline. Inheritance: Autosomal recessive inheritance.
Comment: The NM_000212.3:c.422A>G variant in ITGB3 is a missense variant predicted to cause substitution of tyrosine by cysteine at amino acid 141 (p.Tyr141Cys). At least one patient (Patient 12 in PMID: 36672149) with this variant displayed mucocutaneous bleeding and impaired aggregation with all agonists except ristocetin, which is highly specific for Glanzmann thrombasthenia. Additionally, there was absence of GPIIbIIIa platelet surface expression by flow cytometry and ITGA2B and ITGB3 were reported to be sequenced across all exons and intron/exon boundaries (PP4_Strong). Patient GT53 reported in PMID: 19691478 is compound heterozygous for this variant and the ITGB3 variant c.415G>C (p.Asp139His, classified by the Platelet Disorders VCEP as Likely Pathogenic, trans phase confirmed - not considered here to avoid circularity). GT1-III2, of PMID: 32558238, patient No.1 of PMID: 15748237, and patients 11/12 of PMID: 36672149 are all homozygous for Tyr141Cys 1pt. Total 1pt (PM3). The variant has been reported to segregate with Glanzmann thrombasthenia (confirmed by bleeding phenotype and platelet aggregometry) in the GT1-III2 proband plus two affected family members, all homozygous for Tyr141Cys genotype. (PP1_moderate; PMID: 32558238). The highest population minor allele frequency in gnomAD v4.1 is 0.00005489 (5/91090 alleles) in the South Asian genetic ancestry group, which is lower than the ClinGen PD VCEP threshold (<0.0001; PM2_Supporting). The computational predictor REVEL gives a score of 0.939, which is above the ClinGen Platelet Disorders VCEP threshold of >0.7 and predicts a damaging effect on function (PP3). In summary, this variant meets criteria to be classified as Pathogenic for autosomal recessive Glanzmann Thrombasthenia based on the ACMG/AMP criteria applied, as specified by the ClinGen PD-VCEP: PM2_Supporting, PP3, PP4_Strong, PM3, PP1_moderate. (VCEP specifications version 2)

Foundation for Research in Genetics and Endocrinology, FRIGE's Institute of Human Genetics
Classification: Likely pathogenic for Glanzmann thrombasthenia 2. Last evaluated: 2024-03-26. Review status: criteria provided, single submitter. Criteria: ACMG Guidelines, 2015. Collection method: clinical testing. Allele origin: germline. Inheritance: Autosomal recessive inheritance. Observed: 1 heterozygote. Not counted in ClinVar's aggregate classification.
Comment: A heterozygous missense variant in exon 4 of the ITGB3 gene that results in the amino acid substitution of Cysteine for Tyrosine at codon 141 was detected . The observed variant lies in the "GGL domain" domain of the ITGB3 protein and has previously been reported in patients affected with Glanzmann thrombasthenia and the observed variant has not been reported in the 1000 genomes, gnomdAD (v2.1) and topmed databases and has a minor allele frequency of 0.00066% and 0.00775% in the gnomAD (v3.1) and our internal databases respectively. The in silico prediction of the variant are probably damaging by PolyPhen-2 (HumDiv) and damaging by SIFT, LRT and MutationTaster2. The reference codon is conserved across species. In summary, the variant meets our criteria to be classified as likely pathogenic.

Labcorp Genetics (formerly Invitae), Labcorp
Classification: Pathogenic. Last evaluated: 2023-05-22. Review status: criteria provided, single submitter. Criteria: Invitae Variant Classification Sherloc (09022015). Collection method: clinical testing. Allele origin: germline. Not counted in ClinVar's aggregate classification.
Comment: This variant is not present in population databases (gnomAD no frequency). This sequence change replaces tyrosine, which is neutral and polar, with cysteine, which is neutral and slightly polar, at codon 141 of the ITGB3 protein (p.Tyr141Cys). This missense change has been observed in individuals with autosomal recessive Glanzmann's thrombasthenia (PMID: 15748237, 32558238). It has also been observed to segregate with disease in related individuals. For these reasons, this variant has been classified as Pathogenic. Advanced modeling of protein sequence and biophysical properties (such as structural, functional, and spatial information, amino acid conservation, physicochemical variation, residue mobility, and thermodynamic stability) performed at Invitae indicates that this missense variant is expected to disrupt ITGB3 protein function. ClinVar contains an entry for this variant (Variation ID: 1691482). This variant is also known as Y115C.

Literature cited by the submitters: PubMed 15748237 (cited by Labcorp Genetics (formerly Invitae), Labcorp); PubMed 32558238 (cited by Labcorp Genetics (formerly Invitae), Labcorp).